The following is an entry in ClinVar:

NM_000444.6(PHEX):c.1935_1938dup (p.Asn647Ter)

Genes: PTCHD1-AS (PTCHD1 and PHEX antisense RNA; minus strand), PHEX (phosphate regulating endopeptidase X-linked; plus strand). Cytogenetic location: Xp22.11.
Variant type: Duplication.
Coding change: c.1935_1938dup on transcript NM_000444.6 (MANE Select); coding-DNA positions 1935 to 1938, 4 bases duplicated (TGAT; older notation c.1935_1938dupTGAT).
Protein change: p.Asn647Ter; replaces asparagine 647 with a stop codon.
Molecular consequence: nonsense.
Genome position (GRCh38, 1-based): chrX:22,226,478-22,226,481, TGAT duplicated. VCF-style (leftmost placement, unchanged base first): chrX-22226477-C-CTGAT. GRCh37 (hg19) VCF-style: chrX-22244594-C-CTGAT.
Other names: c.1935_1938dupTGAT (NM_000444.4); c.1935_1938dup, p.Asn647Ter (NM_001282754.2); short protein forms N647*.
Identifiers: ClinVar variation 279941 (VCV000279941.11), dbSNP rs886041269, ClinGen allele CA10603652.

ClinVar aggregate classification (germline): Pathogenic. Review status: criteria provided, multiple submitters, no conflicts (2 of 4 stars). 2 submissions from 2 submitters: Pathogenic (2). Last evaluated 2022-09-21.

Submissions (2):

Labcorp Genetics (formerly Invitae), Labcorp
Classification: Pathogenic. Last evaluated: 2022-09-21. Review status: criteria provided, single submitter. Criteria: Invitae Variant Classification Sherloc (09022015). Collection method: clinical testing. Allele origin: germline.
Comment: For these reasons, this variant has been classified as Pathogenic. ClinVar contains an entry for this variant (Variation ID: 279941). This variant has not been reported in the literature in individuals affected with PHEX-related conditions. This variant is not present in population databases (gnomAD no frequency). This sequence change creates a premature translational stop signal (p.Asn647*) in the PHEX gene. It is expected to result in an absent or disrupted protein product. Loss-of-function variants in PHEX are known to be pathogenic (PMID: 9097956, 9106524, 19219621).

GeneDx
Classification: Pathogenic. Last evaluated: 2020-01-27. Review status: criteria provided, single submitter. Criteria: GeneDx Variant Classification Process June 2021. Collection method: clinical testing. Allele origin: germline. Affected: yes.
Comment: Nonsense variant predicted to result in protein truncation or nonsense mediated decay in a gene for which loss-of-function is a known mechanism of disease; Not observed in large population cohorts (Lek et al., 2016); Has not been previously published as pathogenic or benign to our knowledge

Literature cited by the submitters: PubMed 9097956 (cited by Labcorp Genetics (formerly Invitae), Labcorp); PubMed 9106524 (cited by Labcorp Genetics (formerly Invitae), Labcorp); PubMed 19219621 (cited by Labcorp Genetics (formerly Invitae), Labcorp).